The following is an entry in ClinVar:

NM_001142800.2(EYS):c.6767T>G (p.Ile2256Ser)

Gene: EYS (EGF-like photoreceptor maintenance factor; minus strand). Cytogenetic location: 6q12.
Variant type: single nucleotide variant.
Coding change: c.6767T>G on transcript NM_001142800.2 (MANE Select); coding-DNA position 6767, T replaced by G.
Protein change: p.Ile2256Ser; replaces isoleucine 2256 with serine.
Molecular consequence: missense variant.
Genome position (GRCh38, 1-based): chr6:63,999,142, A>C on the plus strand (T>G on the coding strand, the complement: EYS is on the minus strand). VCF-style: chr6-63999142-A-C. GRCh37 (hg19) VCF-style: chr6-64709035-A-C.
Other names: c.6767T>G, p.Ile2256Ser (NM_001292009.2); short protein forms I2256S.
Identifiers: ClinVar variation 1513165 (VCV001513165.6), dbSNP rs1582105077, ClinGen allele CA364389734.

ClinVar aggregate classification (germline): Uncertain significance (1 of 4 stars; one submission).

gnomAD v4.1: 1 of 1,551,744 alleles (0.000064%); highest among the groups gnomAD compares: African/African-American, 0.0014%; no homozygotes.

Submission:

Labcorp Genetics (formerly Invitae), Labcorp
Classification: Uncertain significance. Last evaluated: 2022-11-01. Review status: criteria provided, single submitter. Criteria: Invitae Variant Classification Sherloc (09022015). Collection method: clinical testing. Allele origin: germline.
Comment: This sequence change replaces isoleucine, which is neutral and non-polar, with serine, which is neutral and polar, at codon 2256 of the EYS protein (p.Ile2256Ser). This variant is not present in population databases (gnomAD no frequency). This variant has not been reported in the literature in individuals affected with EYS-related conditions. ClinVar contains an entry for this variant (Variation ID: 1513165). Advanced modeling of protein sequence and biophysical properties (such as structural, functional, and spatial information, amino acid conservation, physicochemical variation, residue mobility, and thermodynamic stability) has been performed at Invitae for this missense variant, however the output from this modeling did not meet the statistical confidence thresholds required to predict the impact of this variant on EYS protein function. In summary, the available evidence is currently insufficient to determine the role of this variant in disease. Therefore, it has been classified as a Variant of Uncertain Significance.